The following is an entry in ClinVar:

ClinVar aggregate classification (germline): Uncertain significance (1 of 4 stars; one submission).

gnomAD v4.1: 3 of 1,613,318 alleles (0.00019%); highest among the groups gnomAD compares: Non-Finnish European, 0.00025%; no homozygotes.

Submission:

Labcorp Genetics (formerly Invitae), Labcorp
Classification: Uncertain significance. Last evaluated: 2025-07-30. Review status: criteria provided, single submitter. Criteria: Invitae Variant Classification Sherloc (09022015). Collection method: clinical testing. Allele origin: germline.
Comment: This sequence change replaces lysine, which is basic and polar, with glutamic acid, which is acidic and polar, at codon 171 of the NR3C1 protein (p.Lys171Glu). This variant is present in population databases (rs760636069, gnomAD 0.002%). This variant has not been reported in the literature in individuals affected with NR3C1-related conditions. An algorithm developed to predict the effect of missense changes on protein structure and function outputs the following: PolyPhen-2: "Benign". The glutamic acid amino acid residue is found in multiple mammalian species, which suggests that this missense change does not adversely affect protein function. In summary, the available evidence is currently insufficient to determine the role of this variant in disease. Therefore, it has been classified as a Variant of Uncertain Significance.

NM_000176.3(NR3C1):c.511A>G (p.Lys171Glu)

Gene: NR3C1 (nuclear receptor subfamily 3 group C member 1; minus strand). Cytogenetic location: 5q31.3.
Variant type: single nucleotide variant.
Coding change: c.511A>G on transcript NM_000176.3 (MANE Select); coding-DNA position 511, A replaced by G.
Protein change: p.Lys171Glu; replaces lysine 171 with glutamic acid.
Molecular consequence: missense variant. On other transcripts: 5 prime UTR variant (3).
Genome position (GRCh38, 1-based): chr5:143,400,329, T>C on the plus strand (A>G on the coding strand, the complement: NR3C1 is on the minus strand). VCF-style: chr5-143400329-T-C. GRCh37 (hg19) VCF-style: chr5-142779894-T-C.
Other names: c.511A>G, p.Lys171Glu (NM_001364180.2, NM_001364181.2, NM_001364182.1 and 10 more transcripts); c.433A>G, p.Lys145Glu (NM_001204258.2); c.256A>G, p.Lys86Glu (NM_001204259.2); c.244A>G, p.Lys82Glu (NM_001204260.2); c.220A>G, p.Lys74Glu (NM_001204261.2); c.-435A>G (NM_001204262.2); c.-480A>G (NM_001204263.2); c.-495A>G (NM_001204264.2); short protein forms K74E, K86E, K171E, K82E, K145E.
Identifiers: ClinVar variation 4777077 (VCV004777077.1).